The following is an entry in ClinVar:

ClinVar aggregate classification (germline): Uncertain significance (1 of 4 stars; one submission).

Submission:

Dasa
Classification: Uncertain significance. Last evaluated: 2025-04-30. Review status: criteria provided, single submitter. Criteria: DASA Assertion Criteria. Collection method: clinical testing. Allele origin: germline.
Comment: NM_001199138.2(NLRC4):c.245A>G (p.Gln82Arg) is a missense variant that results in the substitution of glutamine with arginine. This variant is absent from population databases. Computational prediction algorithms are consistent with a benign effect. The currently available literature and clinical evidence are not sufficient to establish a definitive association between this variant and the reported condition. Therefore, this variant is classified as a variant of uncertain significance.

NM_001199138.2(NLRC4):c.245A>G (p.Gln82Arg)

Gene: NLRC4 (NLR family CARD domain containing 4; minus strand). Cytogenetic location: 2p22.3.
Variant type: single nucleotide variant.
Coding change: c.245A>G on transcript NM_001199138.2 (MANE Select); coding-DNA position 245, A replaced by G.
Protein change: p.Gln82Arg; replaces glutamine 82 with arginine.
Molecular consequence: missense variant.
Genome position (GRCh38, 1-based): chr2:32,252,436, T>C on the plus strand (A>G on the coding strand, the complement: NLRC4 is on the minus strand). VCF-style: chr2-32252436-T-C. GRCh37 (hg19) VCF-style: chr2-32477505-T-C.
Other names: c.245A>G, p.Gln82Arg (NM_001199139.2, NM_001302504.2, NM_021209.5); short protein forms Q82R.
Identifiers: ClinVar variation 4885276 (VCV004885276.2).